The following is an entry in ClinVar:

ClinVar aggregate classification (germline): Uncertain significance. Review status: criteria provided, single submitter (1 of 4 stars). 2 submissions from 2 submitters: Uncertain significance (1). 1 of the submissions does not count toward it. Last evaluated 2022-02-20.

Conditions:
Charcot-Marie-Tooth disease type 4. Also called: Charcot-Marie-Tooth disease, type IV; Charcot-Marie-Tooth, Type 4. Identifiers: Orphanet 64749, MedGen C4082197, MONDO:0018995.
Charcot-Marie-Tooth disease type 4J (CMT4J). Also called: CHARCOT-MARIE-TOOTH DISEASE, AUTOSOMAL RECESSIVE, TYPE 4J; Charcot-Marie-Tooth Neuropathy Type 4J; CHARCOT-MARIE-TOOTH DISEASE, DEMYELINATING, TYPE 4J. Identifiers: Orphanet 139515, MedGen C1970011, MONDO:0012640, OMIM 611228.

Allele frequency attached by ClinVar (database versions not stated): gnomAD exomes below 0.00001 and 0.00001; TOPMed 0.00001; gnomAD 0.00002.
gnomAD v4.1: 15 of 1,613,932 alleles (0.00093%); highest among the groups gnomAD compares: Non-Finnish European, 0.0013%; no homozygotes.

Submissions (2):

Labcorp Genetics (formerly Invitae), Labcorp
Classification: Uncertain significance for Charcot-Marie-Tooth disease type 4. Last evaluated: 2022-02-20. Review status: criteria provided, single submitter. Criteria: Invitae Variant Classification Sherloc (09022015). Collection method: clinical testing. Allele origin: germline.
Comment: This sequence change replaces isoleucine, which is neutral and non-polar, with threonine, which is neutral and polar, at codon 902 of the FIG4 protein (p.Ile902Thr). This variant is present in population databases (no rsID available, gnomAD 0.0009%). This missense change has been observed in individual(s) with amyotrophic lateral sclerosis (PMID: 19118816). Algorithms developed to predict the effect of missense changes on protein structure and function are either unavailable or do not agree on the potential impact of this missense change (SIFT: "Deleterious"; PolyPhen-2: "Benign"; Align-GVGD: "Class C25"). In summary, the available evidence is currently insufficient to determine the role of this variant in disease. Therefore, it has been classified as a Variant of Uncertain Significance.

Inherited Neuropathy Consortium Ii, University Of Miami
Classification: Uncertain significance for Charcot-Marie-Tooth disease type 4J. Last evaluated: 2016-01-06. Review status: no assertion criteria provided. Collection method: literature only. Allele origin: germline. Affected: yes. Not counted in ClinVar's aggregate classification.

Literature cited by the submitters: PubMed 19118816 (cited by Labcorp Genetics (formerly Invitae), Labcorp and Inherited Neuropathy Consortium Ii, University Of Miami).

NM_014845.6(FIG4):c.2705T>C (p.Ile902Thr)

Gene: FIG4 (FIG4 phosphoinositide 5-phosphatase; plus strand). Cytogenetic location: 6q21.
Variant type: single nucleotide variant.
Coding change: c.2705T>C on transcript NM_014845.6 (MANE Select); coding-DNA position 2705, T replaced by C.
Protein change: p.Ile902Thr; replaces isoleucine 902 with threonine.
Molecular consequence: missense variant.
Genome position (GRCh38, 1-based): chr6:109,825,246, T>C. VCF-style: chr6-109825246-T-C. GRCh37 (hg19) VCF-style: chr6-110146449-T-C.
Other names: c.2705T>C (NM_014845.5); short protein forms I902T.
Identifiers: ClinVar variation 1415800 (VCV001415800.3), dbSNP rs1162967341, ClinGen allele CA365225621.